The following is an entry in ClinVar:

NM_170707.4(LMNA):c.736C>T (p.Gln246Ter)

Gene: LMNA (lamin A/C; plus strand). Cytogenetic location: 1q22.
Variant type: single nucleotide variant.
Coding change: c.736C>T on transcript NM_170707.4 (MANE Select); coding-DNA position 736, C replaced by T.
Protein change: p.Gln246Ter; replaces glutamine 246 with a stop codon.
Molecular consequence: nonsense.
Genome position (GRCh38, 1-based): chr1:156,134,901, C>T. VCF-style: chr1-156134901-C-T. GRCh37 (hg19) VCF-style: chr1-156104692-C-T.
Other names: p.Q246*:CAG>TAG; c.736C>T, p.Gln246Ter (NM_001282626.2, NM_005572.4, NM_170708.4 and 1 more transcripts); c.400C>T, p.Gln134Ter (NM_001257374.3); c.493C>T, p.Gln165Ter (NM_001282624.2); short protein forms Q246*, Q165*, Q134*.
Identifiers: ClinVar variation 66927 (VCV000066927.11), dbSNP rs267607587, ClinGen allele CA018512.

ClinVar aggregate classification (germline): Pathogenic/Likely pathogenic. Review status: criteria provided, multiple submitters, no conflicts (2 of 4 stars). 4 submissions from 4 submitters: Pathogenic (2); Likely pathogenic (1). 1 of the submissions does not count toward it. Last evaluated 2020-12-02.

Conditions:
Charcot-Marie-Tooth disease type 2. Also called: Charcot-Marie-Tooth type 2. Identifiers: Orphanet 64746, MedGen C0270914, MONDO:0018993.

Submissions (4):

Labcorp Genetics (formerly Invitae), Labcorp
Classification: Pathogenic for Charcot-Marie-Tooth disease type 2. Last evaluated: 2020-12-02. Review status: criteria provided, single submitter. Criteria: Invitae Variant Classification Sherloc (09022015). Collection method: clinical testing. Allele origin: germline.
Comment: This sequence change creates a premature translational stop signal (p.Gln246*) in the LMNA gene. It is expected to result in an absent or disrupted protein product. Loss-of-function variants in LMNA are known to be pathogenic (PMID: 18585512, 18926329). This variant is not present in population databases (ExAC no frequency). This variant has been observed in individual(s) with dilated cardiomyopathy (PMID: 29104234). It has also been observed to segregate with disease in related individuals. ClinVar contains an entry for this variant (Variation ID: 66927). For these reasons, this variant has been classified as Pathogenic.

GeneDx
Classification: Pathogenic. Last evaluated: 2013-01-14. Review status: criteria provided, single submitter. Criteria: GeneDx Variant Classification (06012015). Collection method: clinical testing. Allele origin: germline. Affected: yes.
Comment: p.Q246Stop (CAG>TAG): c.736 C>T in exon 4 of the LMNA gene (NM_170707.2). The Gln246Stop mutation in the LMNA gene has been reported in one individual with cardiomyopathy and atrioventricular block, and was absent from 392 control alleles in this study (Pasotti M et al., 2008). Gln246Stop is predicted to cause loss of normal protein function either by protein truncation or nonsense-mediated mRNA decay. Numerous other nonsense mutations in the LMNA gene have been reported in association with cardiomyopathy. Therefore, the presence of this mutation indicates an increased risk to develop DCM. However, other genetic and environmental factors influence disease expression and severity, and some mutation carriers may never become symptomatic. The variant is found in DCM panel(s).

Stanford Center for Inherited Cardiovascular Disease, Stanford University
Classification: Likely pathogenic. Last evaluated: 2012-12-01. Review status: criteria provided, single submitter. Criteria: ACMG Guidelines, 2015. Collection method: provider interpretation. Allele origin: germline.

Epithelial Biology;  Institute of Medical Biology, Singapore
No classification provided. Review status: no classification provided. Collection method: not provided. Allele origin: not provided. Not counted in ClinVar's aggregate classification.

Literature cited by the submitters: PubMed 18585512 (cited by Labcorp Genetics (formerly Invitae), Labcorp); PubMed 18926329 (cited by Labcorp Genetics (formerly Invitae), Labcorp); PubMed 29104234 (cited by Labcorp Genetics (formerly Invitae), Labcorp).